The following is an entry in ClinVar:

NM_001352754.2(ARMC9):c.406G>A (p.Gly136Arg)

Gene: ARMC9 (armadillo repeat containing 9; plus strand). Cytogenetic location: 2q37.1.
Variant type: single nucleotide variant.
Coding change: c.406G>A on transcript NM_001352754.2 (MANE Select); coding-DNA position 406, G replaced by A.
Protein change: p.Gly136Arg; replaces glycine 136 with arginine.
Molecular consequence: missense variant. On other transcripts: non-coding transcript variant (1).
Genome position (GRCh38, 1-based): chr2:231,216,695, G>A. VCF-style: chr2-231216695-G-A. GRCh37 (hg19) VCF-style: chr2-232081408-G-A.
Other names: c.406G>A, p.Gly136Arg (NM_001271466.4, NM_001291656.2, NM_001352755.2 and 5 more transcripts); c.406G>A (NM_025139.3); short protein forms G136R.
Identifiers: ClinVar variation 1052520 (VCV001052520.6), dbSNP rs746880469, ClinGen allele CA2159932.

ClinVar aggregate classification (germline): Uncertain significance. Review status: criteria provided, multiple submitters, no conflicts (2 of 4 stars). 2 submissions from 2 submitters: Uncertain significance (2). Last evaluated 2025-05-28.

Conditions:
Inborn genetic diseases. Identifiers: MedGen C0950123, MeSH D030342.

Allele frequency attached by ClinVar (database versions not stated): gnomAD 0.00002 and 0.00003; ExAC 0.00003; gnomAD exomes 0.00001 and 0.00003; TOPMed 0.00004.
gnomAD v4.1: 21 of 1,613,874 alleles (0.0013%); highest among the groups gnomAD compares: Admixed American, 0.0017%; no homozygotes.

Submissions (2):

Ambry Genetics
Classification: Uncertain significance for Inborn genetic diseases. Last evaluated: 2025-05-28. Review status: criteria provided, single submitter. Criteria: Ambry Variant Classification Scheme 2023. Collection method: clinical testing. Allele origin: germline.

Labcorp Genetics (formerly Invitae), Labcorp
Classification: Uncertain significance. Last evaluated: 2022-08-21. Review status: criteria provided, single submitter. Criteria: Invitae Variant Classification Sherloc (09022015). Collection method: clinical testing. Allele origin: germline.
Comment: This sequence change replaces glycine, which is neutral and non-polar, with arginine, which is basic and polar, at codon 136 of the ARMC9 protein (p.Gly136Arg). This variant is present in population databases (rs746880469, gnomAD 0.007%). This variant has not been reported in the literature in individuals affected with ARMC9-related conditions. ClinVar contains an entry for this variant (Variation ID: 1052520). Experimental studies and prediction algorithms are not available or were not evaluated, and the functional significance of this variant is currently unknown. In summary, the available evidence is currently insufficient to determine the role of this variant in disease. Therefore, it has been classified as a Variant of Uncertain Significance.